The following is an entry in ClinVar:

NM_182476.3(COQ6):c.1225C>T (p.Leu409Phe)

Genes: COQ6 (coenzyme Q6, monooxygenase; plus strand), ENTPD5 (ectonucleoside triphosphate diphosphohydrolase 5; minus strand). Cytogenetic location: 14q24.3.
Variant type: single nucleotide variant.
Coding change: c.1225C>T on transcript NM_182476.3 (MANE Select); coding-DNA position 1225, C replaced by T.
Protein change: p.Leu409Phe; replaces leucine 409 with phenylalanine.
Molecular consequence: missense variant. On other transcripts: intron variant (7).
Genome position (GRCh38, 1-based): chr14:73,961,751, C>T. VCF-style: chr14-73961751-C-T. GRCh37 (hg19) VCF-style: chr14-74428454-C-T.
Other names: c.1201-6164G>A (NM_001382258.1); c.1201-5923G>A (NM_001382262.1); c.1201-2198G>A (NM_001382260.1, NM_001382259.1, NM_001330189.2); c.1201-201G>A (NM_001321984.2); c.685C>T, p.Leu229Phe (NM_001425265.1, NM_001425264.1); c.1150C>T, p.Leu384Phe (NM_182480.3); c.1210+181C>T (NM_001425255.1); c.1117C>T, p.Leu373Phe (NM_001425256.1); and 5 more; short protein forms L409F, L384F.
Identifiers: ClinVar variation 2843946 (VCV002843946.3), dbSNP rs757329232, ClinGen allele CA7264485.
Genomic context (GRCh38, chr14:73,961,751, plus strand): 5'-AACCTTATTATTGGATTAGGGATTTAATCTTTCCTCTGCCCTTCAGGTTCCGTGAGCCAC[C>T]TCACAGGTTATGAAACAGAAAGACAGCGTCACAACACTGCTCTTCTGGCTGCTACAGACT-3'
Protein context (NP_872282.1, residues 399-419): NGKDLGSVSH[Leu409Phe]TGYETERQRH

ClinVar aggregate classification (germline): Uncertain significance (1 of 4 stars; one submission).

Allele frequency attached by ClinVar (database versions not stated): gnomAD exomes below 0.00001; ExAC 0.00001.
gnomAD v4.1: 2 of 1,614,144 alleles (0.00012%); highest among the groups gnomAD compares: Admixed American, 0.0017%; no homozygotes.

Submission:

Labcorp Genetics (formerly Invitae), Labcorp
Classification: Uncertain significance. Last evaluated: 2025-06-02. Review status: criteria provided, single submitter. Criteria: Invitae Variant Classification Sherloc (09022015). Collection method: clinical testing. Allele origin: germline.
Comment: This sequence change replaces leucine, which is neutral and non-polar, with phenylalanine, which is neutral and non-polar, at codon 409 of the COQ6 protein (p.Leu409Phe). This variant is present in population databases (rs757329232, gnomAD 0.003%). This variant has not been reported in the literature in individuals affected with COQ6-related conditions. ClinVar contains an entry for this variant (Variation ID: 2843946). Invitae Evidence Modeling of protein sequence and biophysical properties (such as structural, functional, and spatial information, amino acid conservation, physicochemical variation, residue mobility, and thermodynamic stability) indicates that this missense variant is not expected to disrupt COQ6 protein function with a negative predictive value of 80%. In summary, the available evidence is currently insufficient to determine the role of this variant in disease. Therefore, it has been classified as a Variant of Uncertain Significance.